The following is an entry in ClinVar:

NM_001164665.2(KIAA1549):c.1564C>A (p.Pro522Thr)

Gene: KIAA1549 (KIAA1549; minus strand). Cytogenetic location: 7q34.
Variant type: single nucleotide variant.
Coding change: c.1564C>A on transcript NM_001164665.2 (MANE Select); coding-DNA position 1564, C replaced by A.
Protein change: p.Pro522Thr; replaces proline 522 with threonine.
Molecular consequence: missense variant.
Genome position (GRCh38, 1-based): chr7:138,918,062, G>T on the plus strand (C>A on the coding strand, the complement: KIAA1549 is on the minus strand). VCF-style: chr7-138918062-G-T. GRCh37 (hg19) VCF-style: chr7-138602808-G-T.
Other names: c.1564C>A, p.Pro522Thr (NM_020910.3); short protein forms P522T.
Identifiers: ClinVar variation 1515023 (VCV001515023.6), dbSNP rs759452417, ClinGen allele CA4506689.

ClinVar aggregate classification (germline): Uncertain significance (1 of 4 stars; one submission).

Allele frequency attached by ClinVar (database versions not stated): gnomAD 0.00001; gnomAD exomes 0.00002 and 0.00004; ExAC 0.00004.
gnomAD v4.1: 16 of 1,613,168 alleles (0.00099%); highest among the groups gnomAD compares: Admixed American, 0.023%; no homozygotes.

Submission:

Labcorp Genetics (formerly Invitae), Labcorp
Classification: Uncertain significance. Last evaluated: 2023-12-11. Review status: criteria provided, single submitter. Criteria: Invitae Variant Classification Sherloc (09022015). Collection method: clinical testing. Allele origin: germline.
Comment: This sequence change replaces proline, which is neutral and non-polar, with threonine, which is neutral and polar, at codon 522 of the KIAA1549 protein (p.Pro522Thr). This variant is present in population databases (rs759452417, gnomAD 0.03%). This variant has not been reported in the literature in individuals affected with KIAA1549-related conditions. ClinVar contains an entry for this variant (Variation ID: 1515023). An algorithm developed to predict the effect of missense changes on protein structure and function (PolyPhen-2) suggests that this variant¬†is likely to be tolerated. In summary, the available evidence is currently insufficient to determine the role of this variant in disease. Therefore, it has been classified as a Variant of Uncertain Significance.